The following is an entry in ClinVar:

NM_012203.2(GRHPR):c.515_516del (p.Leu172fs)

Gene: GRHPR (glyoxylate and hydroxypyruvate reductase; plus strand). Cytogenetic location: 9p13.2.
Variant type: Deletion.
Coding change: c.515_516del on transcript NM_012203.2 (MANE Select); coding-DNA positions 515 to 516, 2 bases deleted (TG; older notation c.515_516delTG).
Protein change: p.Leu172fs; shifts the reading frame from leucine 172.
Molecular consequence: frameshift variant.
Genome position (GRCh38, 1-based): chr9:37,429,753-37,429,754, TG deleted. VCF-style (leftmost placement, unchanged base first): chr9-37429752-CTG-C. GRCh37 (hg19) VCF-style: chr9-37429749-CTG-C.
Other names: short protein forms L172fs.
Identifiers: ClinVar variation 4815554 (VCV004815554.1).

ClinVar aggregate classification (germline): Likely pathogenic (1 of 4 stars; one submission).

Conditions:
Primary hyperoxaluria, type II (HP2). Also called: D-GLYCERATE DEHYDROGENASE DEFICIENCY; GLYCERIC ACIDURIA; GLYOXYLATE REDUCTASE/HYDROXYPYRUVATE REDUCTASE DEFICIENCY; OXALOSIS II; Primary hyperoxaluria type 2. Identifiers: Orphanet 416, Orphanet 93599, MedGen C0268165, MONDO:0009824, OMIM 260000. Disease mechanism: loss of function.

Submission:

Natera, Inc.
Classification: Likely pathogenic for Primary hyperoxaluria type II. Last evaluated: 2024-09-18. Review status: criteria provided, single submitter. Criteria: Natera Variant Classification Schema (03/2026). Collection method: clinical testing. Allele origin: germline.
Comment: The c.515_516del variant in GRHPR is a frameshift variant predicted to shift the reading frame beginning at codon 172 and leads to a stop codon 18 codons downstream. This variant is expected to result in nonsense mediated decay, truncation, or a dysfunctional protein product. This variant is rare in the general population with a frequency below the threshold expected for the associated phenotype(s). Given the available evidence, this variant is classified as Likely Pathogenic.